The following is an entry in ClinVar:

ClinVar aggregate classification (germline): Benign/Likely benign. Review status: criteria provided, multiple submitters, no conflicts (2 of 4 stars). 10 submissions from 10 submitters: Benign (2); Likely benign (4). 4 of the submissions do not count toward it. Last evaluated 2026-05-01.

Conditions:
ZNF423-related disorder. Also called: ZNF423-related condition.
Nephronophthisis 14 (NPHP14). Identifiers: Orphanet 2318, MedGen C3539071, MONDO:0013916, OMIM 614844.

Allele frequency attached by ClinVar (database versions not stated): 1000 Genomes Project 30x 0.00031; 1000 Genomes Project 0.00040; ESP Exome Variant Server 0.00200; TOPMed 0.00206; ExAC 0.00212; gnomAD 0.00261.
gnomAD v4.1: 5,734 of 1,612,652 alleles (0.36%); highest among the groups gnomAD compares: Non-Finnish European, 0.42%; 13 homozygotes.

Submissions (10):

CeGaT Center for Human Genetics Tuebingen
Classification: Likely benign. Last evaluated: 2026-05-01. Review status: criteria provided, single submitter. Criteria: CeGaT Center For Human Genetics Tuebingen Variant Classification Criteria Version 2. Collection method: clinical testing. Allele origin: germline. Affected: yes. Observed: 5 variant alleles.
Comment: ZNF423: BP4, BP7

Labcorp Genetics (formerly Invitae), Labcorp
Classification: Benign for Nephronophthisis 14. Last evaluated: 2026-01-21. Review status: criteria provided, single submitter. Criteria: Invitae Variant Classification Sherloc (09022015). Collection method: clinical testing. Allele origin: germline.

Blueprint Genetics
Classification: Likely benign. Last evaluated: 2024-11-25. Review status: criteria provided, single submitter. Criteria: ACMG Guidelines, 2015. Collection method: clinical testing. Allele origin: germline.

Genome-Nilou Lab
Classification: Benign for Nephronophthisis 14. Last evaluated: 2021-12-05. Review status: criteria provided, single submitter. Criteria: ACMG Guidelines, 2015. Collection method: clinical testing. Allele origin: germline. Affected: no.

Genetic Services Laboratory, University of Chicago
Classification: Likely benign. Last evaluated: 2017-11-13. Review status: criteria provided, single submitter. Criteria: ACMG Guidelines, 2015. Collection method: clinical testing. Allele origin: germline. Affected: no.

Eurofins Ntd Llc (ga)
Classification: Likely benign. Last evaluated: 2015-10-08. Review status: criteria provided, single submitter. Criteria: EGL Classification Definitions 2015. Collection method: clinical testing. Allele origin: germline. Observed: 1 variant allele, 1 heterozygote.

PreventionGenetics, part of Exact Sciences
Classification: Benign for ZNF423-related condition. Last evaluated: 2019-05-22. Review status: no assertion criteria provided. Collection method: clinical testing. Allele origin: germline. Not counted in ClinVar's aggregate classification.
Comment: This variant is classified as benign based on ACMG/AMP sequence variant interpretation guidelines (Richards et al. 2015 PMID: 25741868, with internal and published modifications).

Clinical Genetics DNA and cytogenetics Diagnostics Lab, Erasmus MC, Erasmus Medical Center
Classification: Likely benign. Review status: no assertion criteria provided. Collection method: clinical testing. Allele origin: germline. Affected: yes. Study: VKGL Data-share Consensus. Not counted in ClinVar's aggregate classification.

Clinical Genetics, Academic Medical Center
Classification: Benign. Review status: no assertion criteria provided. Collection method: clinical testing. Allele origin: germline. Affected: yes. Study: VKGL Data-share Consensus. Not counted in ClinVar's aggregate classification.

Genome Diagnostics Laboratory, University Medical Center Utrecht
Classification: Likely benign. Review status: no assertion criteria provided. Collection method: clinical testing. Allele origin: germline. Affected: yes. Study: VKGL Data-share Consensus. Not counted in ClinVar's aggregate classification.

NM_001379286.1(ZNF423):c.3393C>T (p.Pro1131=)

Gene: ZNF423 (zinc finger protein 423; minus strand). Cytogenetic location: 16q12.1.
Variant type: single nucleotide variant.
Coding change: c.3393C>T on transcript NM_001379286.1 (MANE Select); coding-DNA position 3393, C replaced by T.
Protein change: p.Pro1131=; no amino-acid change (proline 1131 retained).
Molecular consequence: synonymous variant.
Genome position (GRCh38, 1-based): chr16:49,635,783, G>A on the plus strand (C>T on the coding strand, the complement: ZNF423 is on the minus strand). VCF-style: chr16-49635783-G-A. GRCh37 (hg19) VCF-style: chr16-49669694-G-A.
Other names: c.3369C>T (NM_015069.4); c.3189C>T, p.Pro1063= (NM_001271620.2); c.3018C>T, p.Pro1006= (NM_001330533.2); c.3369C>T, p.Pro1123= (NM_015069.5).
Identifiers: ClinVar variation 283796 (VCV000283796.52), dbSNP rs61755180, ClinGen allele CA8046308.
Genomic context (GRCh38, chr16:49,635,783, plus strand): 5'-GTGGTCCACCTGCATGTGGCTCTCCAGGTCTTCGGCACTCTCAAACTTGACACTGCACTC[G>A]GGGCAACGGAGGCCGGCACAGGGCCGGTCGGCGGGCTCGGGCGGGGCCAGGCCACCCACC-3'
Protein context (NP_001366215.1, residues 1121-1141): ADRPCAGLRC[Pro1131=]ECSVKFESAE